The following is an entry in ClinVar:

ClinVar aggregate classification (germline): Uncertain significance. Review status: criteria provided, single submitter (1 of 4 stars). 2 submissions from 2 submitters: Uncertain significance (1). 1 of the submissions does not count toward it. Last evaluated 2017-05-03.

Conditions:
Cystic fibrosis (CF). Also called: MUCOVISCIDOSIS. Identifiers: Orphanet 586, MedGen C0010674, MONDO:0009061, OMIM 219700. Disease mechanism: loss of function.

Submissions (2):

Labcorp Genetics (formerly Invitae), Labcorp
Classification: Uncertain significance for Cystic fibrosis. Last evaluated: 2017-05-03. Review status: criteria provided, single submitter. Criteria: Invitae Variant Classification Sherloc (09022015). Collection method: clinical testing. Allele origin: germline.
Comment: In summary, this variant is a novel missense change with uncertain impact on protein function. It has been classified as a Variant of Uncertain Significance. Algorithms developed to predict the effect of missense changes on protein structure and function (SIFT, PolyPhen-2, Align-GVGD) all suggest that this variant is likely to be disruptive, but these predictions have not been confirmed by published functional studies. This variant is not present in population databases (ExAC no frequency) and has not been reported in the literature in individuals with a CFTR-related disease. This sequence change replaces threonine with proline at codon 604 of the CFTR protein (p.Thr604Pro). The threonine residue is highly conserved and there is a small physicochemical difference between threonine and proline.

Department of Urology, First Affiliated Hospital of Nanjing Medical University
Classification: Likely pathogenic for Cystic fibrosis. Last evaluated: 2023-12-25. Review status: no assertion criteria provided. Collection method: clinical testing. Allele origin: maternal. Affected: yes. Observed: 1 variant allele. Not counted in ClinVar's aggregate classification.

NM_000492.4(CFTR):c.1810A>C (p.Thr604Pro)

Gene: CFTR (CF transmembrane conductance regulator; plus strand). Cytogenetic location: 7q31.2.
Variant type: single nucleotide variant.
Coding change: c.1810A>C on transcript NM_000492.4 (MANE Select); coding-DNA position 1810, A replaced by C.
Protein change: p.Thr604Pro; replaces threonine 604 with proline.
Molecular consequence: missense variant.
Genome position (GRCh38, 1-based): chr7:117,591,977, A>C. VCF-style: chr7-117591977-A-C. GRCh37 (hg19) VCF-style: chr7-117232031-A-C.
Other names: short protein forms T604P.
Identifiers: ClinVar variation 455764 (VCV000455764.11), dbSNP rs1554389267, ClinGen allele CA368978040.